The following is an entry in ClinVar:

ClinVar aggregate classification (germline): Uncertain significance. Review status: criteria provided, multiple submitters, no conflicts (2 of 4 stars). 2 submissions from 2 submitters: Uncertain significance (2). Last evaluated 2022-04-14.

Conditions:
Hereditary cancer-predisposing syndrome. Also called: Neoplastic Syndromes, Hereditary; Tumor predisposition; Hereditary neoplastic syndrome; Hereditary Cancer Syndrome. Identifiers: Orphanet 140162, MedGen C0027672, MeSH D009386, MONDO:0015356.

Allele frequency attached by ClinVar (database versions not stated): TOPMed below 0.00001.

Submissions (2):

Ambry Genetics
Classification: Uncertain significance for Hereditary cancer-predisposing syndrome. Last evaluated: 2022-04-14. Review status: criteria provided, single submitter. Criteria: Ambry Variant Classification Scheme 2023. Collection method: clinical testing. Allele origin: germline.
Comment: The p.S8T variant (also known as c.23G>C), located in coding exon 1 of the PMS2 gene, results from a G to C substitution at nucleotide position 23. The amino acid change results in serine to threonine at codon 8, an amino acid with similar properties. However, this change occurs in the last base pair of coding exon 1, which makes it likely to have some effect on normal mRNA splicing. This variant has been identified in a proband(s) whose Lynch syndrome-associated tumor demonstrated loss of PMS2 expression by immunohistochemistry (Ambry internal data). This nucleotide position is highly conserved in available vertebrate species. This amino acid position is highly conserved in available vertebrate species. In silico splice site analysis for this alteration is inconclusive and direct evidence is insufficient at this time (Ambry internal data). In addition, the in silico protein prediction for this alteration is inconclusive. Since supporting evidence is limited at this time, the clinical significance of this alteration remains unclear.

Color Diagnostics, LLC DBA Color Health
Classification: Uncertain significance for Hereditary cancer-predisposing syndrome. Last evaluated: 2018-12-20. Review status: criteria provided, single submitter. Criteria: ACMG Guidelines, 2015. Collection method: clinical testing. Allele origin: germline.

NM_000535.7(PMS2):c.23G>C (p.Ser8Thr)

Gene: PMS2 (PMS1 homolog 2, mismatch repair system component; minus strand). Cytogenetic location: 7p22.1.
Variant type: single nucleotide variant.
Coding change: c.23G>C on transcript NM_000535.7 (MANE Select); coding-DNA position 23, G replaced by C.
Protein change: p.Ser8Thr; replaces serine 8 with threonine.
Molecular consequence: missense variant. On other transcripts: 5 prime UTR variant (11), non-coding transcript variant (1).
Genome position (GRCh38, 1-based): chr7:6,008,997, C>G on the plus strand (G>C on the coding strand, the complement: PMS2 is on the minus strand). VCF-style: chr7-6008997-C-G. GRCh37 (hg19) VCF-style: chr7-6048628-C-G.
Other names: c.-573G>C (NM_001322005.2); c.23G>C, p.Ser8Thr (NM_001322006.2, NM_001322014.2); c.-193G>C (NM_001322007.2); c.-53G>C (NM_001322008.2); c.-568G>C (NM_001322009.2); c.-243G>C (NM_001322010.2, NM_001322004.2); c.-378G>C (NM_001322013.2, NM_001322003.2); c.-457G>C (NM_001322015.2); and 2 more; short protein forms S8T.
Identifiers: ClinVar variation 628503 (VCV000628503.5), dbSNP rs1352544158, ClinGen allele CA366745219.
Genomic context (GRCh38, chr7:6,008,997, plus strand): 5'-CCGTGGGTCTCAAAGAGGGCGCGCGAGAGGGGACACCGGAAGACTGCGAGCCCCGCTCAC[C>G]TCGAGCTCTCAGCTCGCTCCATGGATGCAACACCCGATCCGCCTCGGGGACTGGGAAAGT-3'
Protein context (NP_000526.2, residues 1-18): MERAESS[Ser8Thr]TEPAKAIKPI